The following is an entry in ClinVar:

ClinVar aggregate classification (germline): Uncertain significance (1 of 4 stars; one submission).

Allele frequency attached by ClinVar (database versions not stated): gnomAD exomes below 0.00001.
gnomAD v4.1: 1 of 1,612,158 alleles (0.000062%); highest among the groups gnomAD compares: Non-Finnish European, 0.000085%; no homozygotes.

Submissions (2):

Laboratory for Molecular Medicine, Mass General Brigham Personalized Medicine
Classification: Uncertain significance. Last evaluated: 2018-02-24. Review status: criteria provided, single submitter. Criteria: LMM Criteria. Collection method: clinical testing. Allele origin: germline. Observed: 1 variant allele.
Comment: p.Lys487Arg, c.1460A>G (DIAPH1; NM_005219.4; Chr5g.140955798T>C; GRCh37): The p. Lys487Arg variant in DIAPH1 has not been previously reported in individuals with hearing loss and was absent from large population studies. Lysine (Lys) at posi tion 487 is not conserved in mammals, with orangutans carry arginine (Arg) at th is position, raising the possibility that this change may be tolerated. This var iant is located in the last three bases of the exon, which is part of the 5? spl ice region. Computational tools do predict altered splicing. However, this infor mation is not predictive enough to determine pathogenicity. In summary, the clin ical significance of the p.Lys487Arg variant is uncertain. ACMG/AMP Criteria app lied: PM2; PP3.

Dr. Peter K. Rogan Lab, Western University
No classification provided (evidence only). Condition: Lymphoma. Review status: no classification provided. Collection method: in vitro. Allele origin: not applicable. Functional consequence: retained intron. Not counted in ClinVar's aggregate classification.

NM_005219.5(DIAPH1):c.1460A>G (p.Lys487Arg)

Gene: DIAPH1 (diaphanous related formin 1; minus strand). Cytogenetic location: 5q31.3.
Variant type: single nucleotide variant.
Coding change: c.1460A>G on transcript NM_005219.5 (MANE Select); coding-DNA position 1460, A replaced by G.
Protein change: p.Lys487Arg; replaces lysine 487 with arginine.
Molecular consequence: missense variant.
Genome position (GRCh38, 1-based): chr5:141,576,231, T>C on the plus strand (A>G on the coding strand, the complement: DIAPH1 is on the minus strand). VCF-style: chr5-141576231-T-C. GRCh37 (hg19) VCF-style: chr5-140955798-T-C.
Other names: c.1433A>G, p.Lys478Arg (NM_001079812.3); c.1460A>G, p.Lys487Arg (NM_001314007.2); short protein forms K478R, K487R.
Identifiers: ClinVar variation 666820 (VCV000666820.5), dbSNP rs1596381751, ClinGen allele CA361526408.